The following is an entry in ClinVar:

NM_020631.6(PLEKHG5):c.540C>G (p.Pro180=)

Gene: PLEKHG5 (pleckstrin homology and RhoGEF domain containing G5; minus strand). Cytogenetic location: 1p36.31.
Variant type: single nucleotide variant.
Coding change: c.540C>G on transcript NM_020631.6 (MANE Select); coding-DNA position 540, C replaced by G.
Protein change: p.Pro180=; no amino-acid change (proline 180 retained).
Molecular consequence: synonymous variant.
Genome position (GRCh38, 1-based): chr1:6,474,064, G>C on the plus strand (C>G on the coding strand, the complement: PLEKHG5 is on the minus strand). VCF-style: chr1-6474064-G-C. GRCh37 (hg19) VCF-style: chr1-6534124-G-C.
Other names: c.651C>G, p.Pro217= (NM_001042663.3, NM_001265592.2); c.540C>G, p.Pro180= (NM_001042664.2, NM_001042665.2, NM_001265594.3 and 1 more transcripts); c.747C>G, p.Pro249= (NM_001265593.2).
Identifiers: ClinVar variation 511105 (VCV000511105.12), dbSNP rs372624847, ClinGen allele CA561817.

ClinVar aggregate classification (germline): Likely benign. Review status: criteria provided, multiple submitters, no conflicts (2 of 4 stars). 3 submissions from 3 submitters: Likely benign (3). Last evaluated 2024-01-18.

Conditions:
Neuronopathy, distal hereditary motor, autosomal recessive 4. Also called: Autosomal recessive lower motor neuron disease with childhood onset; NEUROPATHY, DISTAL HEREDITARY MOTOR, AUTOSOMAL RECESSIVE 4. Identifiers: Orphanet 206580, MedGen C1970211, MONDO:0012608, OMIM 611067.
Charcot-Marie-Tooth disease recessive intermediate C. Also called: CHARCOT-MARIE-TOOTH NEUROPATHY, RECESSIVE INTERMEDIATE C. Identifiers: Orphanet 369867, MedGen C3809309, MONDO:0014154, OMIM 615376.
Inborn genetic diseases. Identifiers: MedGen C0950123, MeSH D030342.

gnomAD v4.1: 16 of 1,611,458 alleles (0.00099%); highest among the groups gnomAD compares: South Asian, 0.0033%; no homozygotes.

Submissions (3):

Labcorp Genetics (formerly Invitae), Labcorp
Classification: Likely benign for Neuronopathy, distal hereditary motor, autosomal recessive 4; Charcot-Marie-Tooth disease recessive intermediate C. Last evaluated: 2024-01-18. Review status: criteria provided, single submitter. Criteria: Invitae Variant Classification Sherloc (09022015). Collection method: clinical testing. Allele origin: germline.

Ambry Genetics
Classification: Likely benign for Inborn genetic diseases. Last evaluated: 2019-07-11. Review status: criteria provided, single submitter. Criteria: Ambry Variant Classification Scheme 2023. Collection method: clinical testing. Allele origin: germline.

GeneDx
Classification: Likely benign. Last evaluated: 2017-07-28. Review status: criteria provided, single submitter. Criteria: GeneDx Variant Classification (06012015). Collection method: clinical testing. Allele origin: germline. Affected: yes.
Comment: This variant is considered likely benign or benign based on one or more of the following criteria: it is a conservative change, it occurs at a poorly conserved position in the protein, it is predicted to be benign by multiple in silico algorithms, and/or has population frequency not consistent with disease.